The following is an entry in ClinVar:

ClinVar aggregate classification (germline): Uncertain significance (1 of 4 stars; one submission).

Conditions:
Hypertrophic cardiomyopathy 1 (CMH1). Also called: Familial hypertrophic cardiomyopathy 1; MYH7-Related Familial Hypertrophic Cardiomyopathy. Identifiers: MedGen C3495498, MONDO:0008647, OMIM 192600.

gnomAD v4.1: 1 of 1,614,062 alleles (0.000062%); highest among the groups gnomAD compares: Admixed American, 0.0017%; no homozygotes.

Submission:

Labcorp Genetics (formerly Invitae), Labcorp
Classification: Uncertain significance for Hypertrophic cardiomyopathy 1. Last evaluated: 2025-07-22. Review status: criteria provided, single submitter. Criteria: Invitae Variant Classification Sherloc (09022015). Collection method: clinical testing. Allele origin: germline.
Comment: This sequence change replaces threonine, which is neutral and polar, with serine, which is neutral and polar, at codon 445 of the MYLK2 protein (p.Thr445Ser). This variant is present in population databases (rs766917091, gnomAD 0.003%). This variant has not been reported in the literature in individuals affected with MYLK2-related conditions. Invitae Evidence Modeling of protein sequence and biophysical properties (such as structural, functional, and spatial information, amino acid conservation, physicochemical variation, residue mobility, and thermodynamic stability) indicates that this missense variant is expected to disrupt MYLK2 protein function with a positive predictive value of 80%. In summary, the available evidence is currently insufficient to determine the role of this variant in disease. Therefore, it has been classified as a Variant of Uncertain Significance.

NM_033118.4(MYLK2):c.1333A>T (p.Thr445Ser)

Gene: MYLK2 (myosin light chain kinase 2; plus strand). Cytogenetic location: 20q11.21.
Variant type: single nucleotide variant.
Coding change: c.1333A>T on transcript NM_033118.4 (MANE Select); coding-DNA position 1333, A replaced by T.
Protein change: p.Thr445Ser; replaces threonine 445 with serine.
Molecular consequence: missense variant.
Genome position (GRCh38, 1-based): chr20:31,831,050, A>T. VCF-style: chr20-31831050-A-T. GRCh37 (hg19) VCF-style: chr20-30418853-A-T.
Other names: short protein forms T445S.
Identifiers: ClinVar variation 4776914 (VCV004776914.1).